The following is an entry in ClinVar:

ClinVar aggregate classification (germline): Uncertain significance (1 of 4 stars; one submission).

Conditions:
Glycogen storage disease type III (GSD3). Also called: FORBES DISEASE; Cori disease. Identifiers: Orphanet 366, MedGen C0017922, MONDO:0009291, OMIM 232400.

Submission:

Labcorp Genetics (formerly Invitae), Labcorp
Classification: Uncertain significance for Glycogen storage disease type III. Last evaluated: 2021-04-04. Review status: criteria provided, single submitter. Criteria: Invitae Variant Classification Sherloc (09022015). Collection method: clinical testing. Allele origin: germline.
Comment: In summary, the available evidence is currently insufficient to determine the role of this variant in disease. Therefore, it has been classified as a Variant of Uncertain Significance. Algorithms developed to predict the effect of missense changes on protein structure and function are either unavailable or do not agree on the potential impact of this missense change (SIFT: "Tolerated"; PolyPhen-2: "Possibly Damaging"; Align-GVGD: "Class C0"). This variant has not been reported in the literature in individuals with AGL-related conditions. This variant is not present in population databases (ExAC no frequency). This sequence change replaces aspartic acid with glycine at codon 1163 of the AGL protein (p.Asp1163Gly). The aspartic acid residue is moderately conserved and there is a moderate physicochemical difference between aspartic acid and glycine.

NM_000642.3(AGL):c.3488A>G (p.Asp1163Gly)

Gene: AGL (amylo-alpha-1,6-glucosidase and 4-alpha-glucanotransferase; plus strand). Cytogenetic location: 1p21.2.
Variant type: single nucleotide variant.
Coding change: c.3488A>G on transcript NM_000642.3 (MANE Select); coding-DNA position 3488, A replaced by G.
Protein change: p.Asp1163Gly; replaces aspartic acid 1163 with glycine.
Molecular consequence: missense variant.
Genome position (GRCh38, 1-based): chr1:99,900,761, A>G. VCF-style: chr1-99900761-A-G. GRCh37 (hg19) VCF-style: chr1-100366317-A-G.
Other names: c.3488A>G, p.Asp1163Gly (NM_000028.3, NM_000643.3, NM_000644.3 and 1 more transcripts); c.3440A>G, p.Asp1147Gly (NM_000646.3); c.3467A>G, p.Asp1156Gly (NM_001425326.1); c.3287A>G, p.Asp1096Gly (NM_001425327.1); c.3284A>G, p.Asp1095Gly (NM_001425328.1); c.3149A>G, p.Asp1050Gly (NM_001425329.1); c.3110A>G, p.Asp1037Gly (NM_001425332.1); short protein forms D1147G, D1163G, D1037G, D1050G, D1095G, D1096G, D1156G.
Identifiers: ClinVar variation 1508769 (VCV001508769.8), dbSNP rs2100818432, ClinGen allele CA341331744.